The following is an entry in ClinVar:

NM_001081.4(CUBN):c.8071G>A (p.Gly2691Arg)

Gene: CUBN (cubilin; minus strand). Cytogenetic location: 10p13.
Variant type: single nucleotide variant.
Coding change: c.8071G>A on transcript NM_001081.4 (MANE Select); coding-DNA position 8071, G replaced by A.
Protein change: p.Gly2691Arg; replaces glycine 2691 with arginine.
Molecular consequence: missense variant.
Genome position (GRCh38, 1-based): chr10:16,901,451, C>T on the plus strand (G>A on the coding strand, the complement: CUBN is on the minus strand). VCF-style: chr10-16901451-C-T. GRCh37 (hg19) VCF-style: chr10-16943450-C-T.
Other names: p.Gly2691Arg; short protein forms G2691R.
Identifiers: ClinVar variation 648044 (VCV000648044.17), dbSNP rs1801237, ClinGen allele CA5423130.
Genomic context (GRCh38, chr10:16,901,451, plus strand): 5'-TGTCATAAGCATTTGGATAGTTGGGGCTTGTGATCACTCCACTGTCACCTATCTGTATTC[C>T]GCCACAATCTGAAATGAGATTGGTAACCCTCTCAATAAAACAGAAGTAAAAAAAAGAACC-3'
Protein context (NP_001072.2, residues 2681-2701): HAKYSFTDCG[Gly2691Arg]IQIGDSGVIT

ClinVar aggregate classification (germline): Uncertain significance. Review status: criteria provided, multiple submitters, no conflicts (2 of 4 stars). 6 submissions from 6 submitters: Uncertain significance (6). Last evaluated 2026-04-09.

Conditions:
Imerslund-Grasbeck syndrome type 1 (IGS1). Also called: Imerslund-Gräsbeck syndrome 1; Megaloblastic anemia 1, Finnish type; MEGALOBLASTIC ANEMIA, 1. Identifiers: MedGen C4016819, MONDO:0100156, OMIM 261100.
Proteinuria, chronic benign. Identifiers: MedGen C5394384, MONDO:0030042, OMIM 618884.
CUBN-related disorder. Also called: CUBN-related condition.
Imerslund-Grasbeck syndrome. Also called: Megaloblastic anemia due to inborn errors of metabolism; ENTEROCYTE COBALAMIN MALABSORPTION; ENTEROCYTE INTRINSIC FACTOR RECEPTOR, DEFECT OF; PERNICIOUS ANEMIA, JUVENILE, DUE TO SELECTIVE INTESTINAL MALABSORPTION OF VITAMIN B12, WITH PROTEINURIA; Imerslund-Gräsbeck syndrome. Identifiers: Orphanet 35858, MedGen C4551825, MONDO:0009853.

Allele frequency attached by ClinVar (database versions not stated): gnomAD 0.00022 and 0.00024; ExAC 0.00026; gnomAD exomes 0.00030 and 0.00044; ESP Exome Variant Server 0.00031; TOPMed 0.00032.
gnomAD v4.1: 670 of 1,613,860 alleles (0.042%); highest among the groups gnomAD compares: South Asian, 0.12%; 2 homozygotes.

Submissions (6):

PreventionGenetics, part of Exact Sciences
Classification: Uncertain significance for CUBN-related condition. Last evaluated: 2026-04-09. Review status: criteria provided, single submitter. Criteria: ACMG Guidelines, 2015. Collection method: clinical testing. Allele origin: germline.
Comment: The CUBN c.8071G>A variant is predicted to result in the amino acid substitution p.Gly2691Arg. This variant in the homozygous or compound heterozygous condition has been reported in two individuals with proteinuria (Domingo-Gallego et al. 2021. PubMed ID: 34610128; Cicek. 2022. PubMed ID: 36112210). This variant in the heterozygous condition has been reported as a polymorphism in one study (Aminoff et al. 1999. PubMed ID: 10080186). Of note, this variant is located in the C-terminal region of the cubilin protein which have been associated with isolated proteinuria (Domingo-Gallego et al. 2021. PubMed ID: 34610128). This variant is reported in 0.098% of alleles in individuals of South Asian descent in gnomAD. At this time, the clinical significance of this variant is uncertain due to the absence of conclusive functional and genetic evidence.

Labcorp Genetics (formerly Invitae), Labcorp
Classification: Uncertain significance for Imerslund-Grasbeck syndrome. Last evaluated: 2025-09-02. Review status: criteria provided, single submitter. Criteria: Invitae Variant Classification Sherloc (09022015). Collection method: clinical testing. Allele origin: germline.
Comment: This sequence change replaces glycine, which is neutral and non-polar, with arginine, which is basic and polar, at codon 2691 of the CUBN protein (p.Gly2691Arg). This variant is present in population databases (rs1801237, gnomAD 0.1%). This missense change has been observed in individual(s) with clinical features of CUBN-related conditions (PMID: 10080186, 34610128, 36112210). This variant is also known as c.8097G>A. ClinVar contains an entry for this variant (Variation ID: 648044). Invitae Evidence Modeling of protein sequence and biophysical properties (such as structural, functional, and spatial information, amino acid conservation, physicochemical variation, residue mobility, and thermodynamic stability) indicates that this missense variant is expected to disrupt CUBN protein function with a positive predictive value of 80%. In summary, the available evidence is currently insufficient to determine the role of this variant in disease. Therefore, it has been classified as a Variant of Uncertain Significance.

GeneDx
Classification: Uncertain significance. Last evaluated: 2025-03-13. Review status: criteria provided, single submitter. Criteria: GeneDx Variant Classification Process June 2021. Collection method: clinical testing. Allele origin: germline. Affected: yes.
Comment: In silico analysis supports that this missense variant has a deleterious effect on protein structure/function; This variant is associated with the following publications: (PMID: Milovanova2021[CaseReport2], Milovanova2021[CaseReport], 10080186, 34610128, Haydock2024[CaseReport], 38182294, 36112210, 37036663)

Fulgent Genetics
Classification: Uncertain significance for Imerslund-Grasbeck syndrome type 1; Proteinuria, chronic benign. Last evaluated: 2024-06-18. Review status: criteria provided, single submitter. Criteria: ACMG Guidelines, 2015. Collection method: clinical testing. Allele origin: germline.

Mayo Clinic Laboratories, Mayo Clinic
Classification: Uncertain significance. Last evaluated: 2023-12-15. Review status: criteria provided, single submitter. Criteria: ACMG Guidelines, 2015. Collection method: clinical testing. Allele origin: germline. Observed: 1 variant allele.

Illumina Laboratory Services, Illumina
Classification: Uncertain significance for Imerslund-Grasbeck syndrome type 1. Last evaluated: 2018-02-09. Review status: criteria provided, single submitter. Criteria: ICSL Variant Classification Criteria 13 December 2019. Collection method: clinical testing. Allele origin: germline.

Literature cited by the submitters: PubMed 10080186 (cited by Labcorp Genetics (formerly Invitae), Labcorp and Mayo Clinic Laboratories, Mayo Clinic); PubMed 34610128 (cited by Labcorp Genetics (formerly Invitae), Labcorp); PubMed 36112210 (cited by Labcorp Genetics (formerly Invitae), Labcorp).